The following is an entry in ClinVar:

ClinVar aggregate classification (germline): Uncertain significance. Review status: criteria provided, multiple submitters, no conflicts (2 of 4 stars). 2 submissions from 2 submitters: Uncertain significance (2). Last evaluated 2025-01-19.

Conditions:
Inborn genetic diseases. Identifiers: MedGen C0950123, MeSH D030342.

Allele frequency attached by ClinVar (database versions not stated): TOPMed 0.00003; gnomAD 0.00001; gnomAD exomes 0.00010; ExAC 0.00008.
gnomAD v4.1: 27 of 1,613,818 alleles (0.0017%); highest among the groups gnomAD compares: Admixed American, 0.043%; no homozygotes.

Submissions (2):

Ambry Genetics
Classification: Uncertain significance for Inborn genetic diseases. Last evaluated: 2025-01-19. Review status: criteria provided, single submitter. Criteria: Ambry Variant Classification Scheme 2023. Collection method: clinical testing. Allele origin: germline.

Labcorp Genetics (formerly Invitae), Labcorp
Classification: Uncertain significance. Last evaluated: 2021-08-28. Review status: criteria provided, single submitter. Criteria: Invitae Variant Classification Sherloc (09022015). Collection method: clinical testing. Allele origin: germline.
Comment: This sequence change replaces aspartic acid with glutamic acid at codon 638 of the C7 protein (p.Asp638Glu). The aspartic acid residue is weakly conserved and there is a small physicochemical difference between aspartic acid and glutamic acid. This variant is present in population databases (rs747515166, ExAC 0.09%). This variant has not been reported in the literature in individuals affected with C7-related conditions. Algorithms developed to predict the effect of missense changes on protein structure and function output the following: SIFT: "Tolerated"; PolyPhen-2: "Benign"; Align-GVGD: "Class C0". The glutamic acid amino acid residue is found in multiple mammalian species, which suggests that this missense change does not adversely affect protein function. In summary, the available evidence is currently insufficient to determine the role of this variant in disease. Therefore, it has been classified as a Variant of Uncertain Significance.

NM_000587.4(C7):c.1914T>A (p.Asp638Glu)

Gene: C7 (complement C7; plus strand). Cytogenetic location: 5p13.1.
Variant type: single nucleotide variant.
Coding change: c.1914T>A on transcript NM_000587.4 (MANE Select); coding-DNA position 1914, T replaced by A.
Protein change: p.Asp638Glu; replaces aspartic acid 638 with glutamic acid.
Molecular consequence: missense variant.
Genome position (GRCh38, 1-based): chr5:40,972,434, T>A. VCF-style: chr5-40972434-T-A. GRCh37 (hg19) VCF-style: chr5-40972536-T-A.
Other names: c.1914T>A (NM_000587.2); short protein forms D638E.
Identifiers: ClinVar variation 1392199 (VCV001392199.6), dbSNP rs747515166, ClinGen allele CA3250150.